The following is an entry in ClinVar:

ClinVar aggregate classification (germline): Conflicting classifications of pathogenicity. Review status: criteria provided, conflicting classifications (1 of 4 stars). 5 submissions from 5 submitters: Uncertain significance (3); Likely benign (2). Last evaluated 2026-01-13.

Conditions:
LAMA2-related muscular dystrophy (LAMA2-RD). Also called: Laminin alpha 2-related dystrophy. Identifiers: MedGen C5679788, MONDO:0100228.

Allele frequency attached by ClinVar (database versions not stated): gnomAD below 0.00001 and 0.00003; gnomAD exomes 0.00013 and 0.00008; TOPMed 0.00001; ExAC 0.00011.
gnomAD v4.1: 126 of 1,614,042 alleles (0.0078%); highest among the groups gnomAD compares: South Asian, 0.1%; 2 homozygotes.

Submissions (5):

Labcorp Genetics (formerly Invitae), Labcorp
Classification: Likely benign for LAMA2-related muscular dystrophy. Last evaluated: 2026-01-13. Review status: criteria provided, single submitter. Criteria: Invitae Variant Classification Sherloc (09022015). Collection method: clinical testing. Allele origin: germline.

GeneDx
Classification: Uncertain significance. Last evaluated: 2025-06-10. Review status: criteria provided, single submitter. Criteria: GeneDx Variant Classification Process June 2021. Collection method: clinical testing. Allele origin: germline. Affected: yes.
Comment: In silico analysis suggests that this missense variant does not alter protein structure/function; Has not been previously published as pathogenic or benign to our knowledge

Blueprint Genetics
Classification: Uncertain significance. Last evaluated: 2024-09-03. Review status: criteria provided, single submitter. Criteria: ACMG Guidelines, 2015. Collection method: clinical testing. Allele origin: germline.

Mayo Clinic Laboratories, Mayo Clinic
Classification: Uncertain significance. Last evaluated: 2024-01-19. Review status: criteria provided, single submitter. Criteria: ACMG Guidelines, 2015. Collection method: clinical testing. Allele origin: germline. Observed: 1 variant allele.
Comment: BP5

Breakthrough Genomics
Classification: Likely benign. Review status: criteria provided, single submitter. Criteria: ACMG Guidelines, 2015. Collection method: not provided. Allele origin: germline. Inheritance: Autosomal recessive inheritance. Affected: yes.

NM_000426.4(LAMA2):c.236G>A (p.Arg79Lys)

Gene: LAMA2 (laminin subunit alpha 2; plus strand). Cytogenetic location: 6q22.33.
Variant type: single nucleotide variant.
Coding change: c.236G>A on transcript NM_000426.4 (MANE Select); coding-DNA position 236, G replaced by A.
Protein change: p.Arg79Lys; replaces arginine 79 with lysine.
Molecular consequence: missense variant.
Genome position (GRCh38, 1-based): chr6:129,050,041, G>A. VCF-style: chr6-129050041-G-A. GRCh37 (hg19) VCF-style: chr6-129371186-G-A.
Other names: p.Arg79Lys; c.236G>A, p.Arg79Lys (NM_001079823.2); c.236G>A (NM_000426.3); short protein forms R79K.
Identifiers: ClinVar variation 1020182 (VCV001020182.13), dbSNP rs760219197, ClinGen allele CA3992249.